The following is an entry in ClinVar:

ClinVar aggregate classification (germline): Uncertain significance (1 of 4 stars; one submission).

Conditions:
Inborn genetic diseases. Identifiers: MedGen C0950123, MeSH D030342.

Submission:

Ambry Genetics
Classification: Uncertain significance for Inborn genetic diseases. Last evaluated: 2026-03-29. Review status: criteria provided, single submitter. Criteria: Ambry Variant Classification Scheme 2023. Collection method: clinical testing. Allele origin: germline.
Comment: The p.M506L variant (also known as c.1516A>C), located in coding exon 11 of the BMPR2 gene, results from an A to C substitution at nucleotide position 1516. The methionine at codon 506 is replaced by leucine, an amino acid with highly similar properties. This amino acid position is conserved. In addition, this alteration is predicted to be tolerated by in silico analysis. Based on the available evidence, the clinical significance of this variant remains unclear.

NM_001204.7(BMPR2):c.1516A>C (p.Met506Leu)

Gene: BMPR2 (bone morphogenetic protein receptor type 2; plus strand). Cytogenetic location: 2q33.2.
Variant type: single nucleotide variant.
Coding change: c.1516A>C on transcript NM_001204.7 (MANE Select); coding-DNA position 1516, A replaced by C.
Protein change: p.Met506Leu; replaces methionine 506 with leucine.
Molecular consequence: missense variant.
Genome position (GRCh38, 1-based): chr2:202,552,818, A>C. VCF-style: chr2-202552818-A-C. GRCh37 (hg19) VCF-style: chr2-203417541-A-C.
Other names: short protein forms M506L.
Identifiers: ClinVar variation 4867586 (VCV004867586.1).